The following is an entry in ClinVar:

ClinVar aggregate classification (germline): Uncertain significance (1 of 4 stars; one submission).

Submission:

Labcorp Genetics (formerly Invitae), Labcorp
Classification: Uncertain significance. Last evaluated: 2022-04-01. Review status: criteria provided, single submitter. Criteria: Invitae Variant Classification Sherloc (09022015). Collection method: clinical testing. Allele origin: germline.
Comment: In summary, the available evidence is currently insufficient to determine the role of this variant in disease. Therefore, it has been classified as a Variant of Uncertain Significance. Algorithms developed to predict the effect of missense changes on protein structure and function are either unavailable or do not agree on the potential impact of this missense change (SIFT: "Not Available"; PolyPhen-2: "Probably Damaging"; Align-GVGD: "Not Available"). This variant has not been reported in the literature in individuals affected with POC5-related conditions. This variant is not present in population databases (gnomAD no frequency). This sequence change replaces serine, which is neutral and polar, with asparagine, which is neutral and polar, at codon 516 of the POC5 protein (p.Ser516Asn).

NM_001099271.2(POC5):c.1547G>A (p.Ser516Asn)

Gene: POC5 (POC5 centriolar protein; minus strand). Cytogenetic location: 5q13.3.
Variant type: single nucleotide variant.
Coding change: c.1547G>A on transcript NM_001099271.2 (MANE Select); coding-DNA position 1547, G replaced by A.
Protein change: p.Ser516Asn; replaces serine 516 with asparagine.
Molecular consequence: missense variant.
Genome position (GRCh38, 1-based): chr5:75,677,811, C>T on the plus strand (G>A on the coding strand, the complement: POC5 is on the minus strand). VCF-style: chr5-75677811-C-T. GRCh37 (hg19) VCF-style: chr5-74973636-C-T.
Other names: c.1472G>A, p.Ser491Asn (NM_152408.3); short protein forms S516N, S491N.
Identifiers: ClinVar variation 2120620 (VCV002120620.4), dbSNP rs2478756800, ClinGen allele CA360142971.